The following is an entry in ClinVar:

ClinVar aggregate classification (germline): Benign. Review status: criteria provided, multiple submitters, no conflicts (2 of 4 stars). 6 submissions from 6 submitters: Benign (6). Last evaluated 2026-02-04.

Conditions:
Fraser syndrome 1 (FRASRS1). Also called: CRYPTOPHTHALMOS WITH OTHER MALFORMATIONS. Identifiers: Orphanet 2052, MedGen C4551480, MONDO:0054737, OMIM 219000.

Allele frequency attached by ClinVar (database versions not stated): gnomAD 0.14408; TOPMed 0.14453; ESP Exome Variant Server 0.16348; 1000 Genomes Project 30x 0.08042; 1000 Genomes Project 0.08067.
gnomAD v4.1: 300,974 of 1,613,000 alleles (19%); highest among the groups gnomAD compares: Non-Finnish European, 22%; 31,623 homozygotes.

Submissions (6):

Labcorp Genetics (formerly Invitae), Labcorp
Classification: Benign. Last evaluated: 2026-02-04. Review status: criteria provided, single submitter. Criteria: Invitae Variant Classification Sherloc (09022015). Collection method: clinical testing. Allele origin: germline.

Blueprint Genetics
Classification: Benign. Last evaluated: 2024-11-26. Review status: criteria provided, single submitter. Criteria: ACMG Guidelines, 2015. Collection method: clinical testing. Allele origin: germline.

Mayo Clinic Laboratories, Mayo Clinic
Classification: Benign. Last evaluated: 2022-03-09. Review status: criteria provided, single submitter. Criteria: ACMG Guidelines, 2015. Collection method: clinical testing. Allele origin: germline. Observed: 19 variant alleles.

Illumina Laboratory Services, Illumina
Classification: Benign for Fraser syndrome 1. Last evaluated: 2018-01-13. Review status: criteria provided, single submitter. Criteria: ICSL Variant Classification Criteria 13 December 2019. Collection method: clinical testing. Allele origin: germline.
Comment: This variant was observed in the ICSL laboratory as part of a predisposition screen in an ostensibly healthy population. It had not been previously curated by ICSL or reported in the Human Gene Mutation Database (HGMD: prior to June 1st, 2018), and was therefore a candidate for classification through an automated scoring system. Utilizing variant allele frequency, disease prevalence and penetrance estimates, and inheritance mode, an automated score was calculated to assess if this variant is too frequent to cause the disease. Based on the score and internal cut-off values, a variant classified as benign is not then subjected to further curation. The score for this variant resulted in a classification of benign for this disease.

Breakthrough Genomics
Classification: Benign. Review status: criteria provided, single submitter. Criteria: ACMG Guidelines, 2015. Collection method: not provided. Allele origin: germline. Inheritance: Autosomal recessive inheritance. Affected: yes.

PreventionGenetics, part of Exact Sciences
Classification: Benign. Review status: criteria provided, single submitter. Criteria: ACMG Guidelines, 2015. Collection method: clinical testing. Allele origin: germline.

NM_025074.7(FRAS1):c.9252G>T (p.Arg3084=)

Gene: FRAS1 (Fraser extracellular matrix complex subunit 1; plus strand). Cytogenetic location: 4q21.21.
Variant type: single nucleotide variant.
Coding change: c.9252G>T on transcript NM_025074.7 (MANE Select); coding-DNA position 9252, G replaced by T.
Protein change: p.Arg3084=; no amino-acid change (arginine 3084 retained).
Molecular consequence: synonymous variant.
Genome position (GRCh38, 1-based): chr4:78,499,857, G>T. VCF-style: chr4-78499857-G-T. GRCh37 (hg19) VCF-style: chr4-79421011-G-T.
Other names: p.Arg3084=.
Identifiers: ClinVar variation 261820 (VCV000261820.16), dbSNP rs11933630, ClinGen allele CA2978620.